The following is an entry in ClinVar:

ClinVar aggregate classification (germline): Uncertain significance (1 of 4 stars; one submission).

gnomAD v4.1: 6 of 1,613,800 alleles (0.00037%); highest among the groups gnomAD compares: African/African-American, 0.004%; no homozygotes.

Submission:

Labcorp Genetics (formerly Invitae), Labcorp
Classification: Uncertain significance. Last evaluated: 2024-09-09. Review status: criteria provided, single submitter. Criteria: Invitae Variant Classification Sherloc (09022015). Collection method: clinical testing. Allele origin: germline.
Comment: This sequence change replaces proline, which is neutral and non-polar, with leucine, which is neutral and non-polar, at codon 2175 of the COL7A1 protein (p.Pro2175Leu). This variant is not present in population databases (gnomAD no frequency). This variant has not been reported in the literature in individuals affected with COL7A1-related conditions. Invitae Evidence Modeling of protein sequence and biophysical properties (such as structural, functional, and spatial information, amino acid conservation, physicochemical variation, residue mobility, and thermodynamic stability) indicates that this missense variant is not expected to disrupt COL7A1 protein function with a negative predictive value of 95%. In summary, the available evidence is currently insufficient to determine the role of this variant in disease. Therefore, it has been classified as a Variant of Uncertain Significance.

NM_000094.4(COL7A1):c.6524C>T (p.Pro2175Leu)

Gene: COL7A1 (collagen type VII alpha 1 chain; minus strand). Cytogenetic location: 3p21.31.
Variant type: single nucleotide variant.
Coding change: c.6524C>T on transcript NM_000094.4 (MANE Select); coding-DNA position 6524, C replaced by T.
Protein change: p.Pro2175Leu; replaces proline 2175 with leucine.
Molecular consequence: missense variant.
Genome position (GRCh38, 1-based): chr3:48,573,868, G>A on the plus strand (C>T on the coding strand, the complement: COL7A1 is on the minus strand). VCF-style: chr3-48573868-G-A. GRCh37 (hg19) VCF-style: chr3-48611301-G-A.
Other names: short protein forms P2175L.
Identifiers: ClinVar variation 3708421 (VCV003708421.2).
Genomic context (GRCh38, chr3:48,573,868, plus strand): 5'-AGGGCACAGGATGGGGGCAAGACAGGTGAAGGTTCTTGGGTACTCACCACTGGGCCAGGG[G>A]GGCCTCTTGGACCCTGCAGACCCTACATAGAGAGGGCACTGATGAGCCTCAATCTGGGCC-3'
Protein context (NP_000085.1, residues 2165-2185): GKPGLQGPRG[Pro2175Leu]PGPVGGHGDP